The following is an entry in ClinVar:

ClinVar aggregate classification (germline): Uncertain significance (1 of 4 stars; one submission).

gnomAD v4.1: 2 of 1,614,202 alleles (0.00012%); highest among the groups gnomAD compares: African/African-American, 0.0013%; no homozygotes.

Submission:

Ambry Genetics
Classification: Uncertain significance. Last evaluated: 2022-04-10. Review status: criteria provided, single submitter. Criteria: Ambry Variant Classification Scheme 2023. Collection method: clinical testing. Allele origin: germline.
Comment: The p.Q413R variant (also known as c.1238A>G), located in coding exon 13 of the NPAT gene, results from an A to G substitution at nucleotide position 1238. The glutamine at codon 413 is replaced by arginine, an amino acid with highly similar properties. This amino acid position is conserved. In addition, this alteration is predicted to be tolerated by in silico analysis. Since supporting evidence is limited at this time, the clinical significance of this alteration remains unclear.

NM_002519.3(NPAT):c.1238A>G (p.Gln413Arg)

Gene: NPAT (nuclear protein, coactivator of histone transcription; minus strand). Cytogenetic location: 11q22.3.
Variant type: single nucleotide variant.
Coding change: c.1238A>G on transcript NM_002519.3 (MANE Select); coding-DNA position 1238, A replaced by G.
Protein change: p.Gln413Arg; replaces glutamine 413 with arginine.
Molecular consequence: missense variant.
Genome position (GRCh38, 1-based): chr11:108,173,746, T>C on the plus strand (A>G on the coding strand, the complement: NPAT is on the minus strand). VCF-style: chr11-108173746-T-C. GRCh37 (hg19) VCF-style: chr11-108044473-T-C.
Other names: c.1238A>G, p.Gln413Arg (NM_001321307.1); short protein forms Q413R.
Identifiers: ClinVar variation 1757328 (VCV001757328.2), dbSNP rs1270813008, ClinGen allele CA382515906.
Genomic context (GRCh38, chr11:108,173,746, plus strand): 5'-GGTACAGCTGTTTTAAAGGCCTTTTTCTGTATGCTGGTACTTATTTGGGAAAAATTTTCC[T>C]GGTCTTCTTGTCTAAGCACATCATGGTTGTTGCTATTCTTCAAAGCATTTAATGGGTCAT-3'
Protein context (NP_002510.2, residues 403-423): NNHDVLRQED[Gln413Arg]ENFSQISTSI